The following is an entry in ClinVar:

ClinVar aggregate classification (germline): Likely pathogenic. Review status: criteria provided, single submitter (1 of 4 stars). 3 submissions from 3 submitters: Likely pathogenic (1). 2 of the submissions do not count toward it. Last evaluated 2023-07-16.

Conditions:
DYNC2H1-related disorder. Also called: DYNC2H1-related condition; DYNC2H1-related disorders. Identifiers: MedGen CN378770.
Jeune thoracic dystrophy. Also called: Jeune syndrome; Infantile thoracic dystrophy; Thoracic pelvic phalangeal dystrophy; Jeune's syndrome; Chondroectodermal dysplasia-like syndrome; Short-rib thoracic dysplasia. Identifiers: Orphanet 474, MedGen C0265275, MONDO:0018770.

Allele frequency attached by ClinVar (database versions not stated): gnomAD exomes below 0.00001; ExAC 0.00001.
gnomAD v4.1: 1 of 1,613,058 alleles (0.000062%); highest among the groups gnomAD compares: Non-Finnish European, 0.000085%; no homozygotes.

Submissions (3):

PreventionGenetics, part of Exact Sciences
Classification: Likely pathogenic for DYNC2H1-related condition. Last evaluated: 2023-07-16. Review status: criteria provided, single submitter. Criteria: ACMG Guidelines, 2015. Collection method: clinical testing. Allele origin: germline.
Comment: The DYNC2H1 c.6265A>G variant is predicted to result in the amino acid substitution p.Asn2089Asp. This variant was reported in the compound heterozygous state in at least one individual with asphyxiating thoracic dystrophy (Supplementary Table S2, Zhang et al. 2018. PubMed ID: 29068549). This variant is reported in 0.00089% of alleles in individuals of European (Non-Finnish) descent in gnomAD. This variant is interpreted as likely pathogenic.

Dan Cohn Lab, University Of California Los Angeles
Classification: Pathogenic for Asphyxiating thoracic dystrophy. Last evaluated: 2017-06-01. Review status: no assertion criteria provided. Collection method: research. Allele origin: unknown. Affected: yes. Not counted in ClinVar's aggregate classification.

University of Washington Center for Mendelian Genomics, University of Washington
Classification: Likely pathogenic for asphyxiating thoracic dystrophy. Review status: no assertion criteria provided. Collection method: research. Allele origin: inherited. Affected: yes. Not counted in ClinVar's aggregate classification.

Literature cited by the submitters: PubMed 29068549 (cited by Dan Cohn Lab, University Of California Los Angeles and University of Washington Center for Mendelian Genomics, University of Washington).

NM_001377.3(DYNC2H1):c.6265A>G (p.Asn2089Asp)

Gene: DYNC2H1 (dynein cytoplasmic 2 heavy chain 1; plus strand). Cytogenetic location: 11q22.3.
Variant type: single nucleotide variant.
Coding change: c.6265A>G on transcript NM_001377.3 (MANE Select); coding-DNA position 6265, A replaced by G.
Protein change: p.Asn2089Asp; replaces asparagine 2089 with aspartic acid.
Molecular consequence: missense variant.
Genome position (GRCh38, 1-based): chr11:103,179,151, A>G. VCF-style: chr11-103179151-A-G. GRCh37 (hg19) VCF-style: chr11-103049880-A-G.
Other names: c.6265A>G, p.Asn2089Asp (NM_001080463.2); short protein forms N2089D.
Identifiers: ClinVar variation 446554 (VCV000446554.3), dbSNP rs753662982, ClinGen allele CA6253928.